The following is an entry in ClinVar:

NM_000069.3(CACNA1S):c.1828-13T>A

Gene: CACNA1S (calcium voltage-gated channel subunit alpha1 S; minus strand). Cytogenetic location: 1q32.1.
Variant type: single nucleotide variant.
Coding change: c.1828-13T>A on transcript NM_000069.3 (MANE Select); 13 bases into the intron before coding-DNA position 1828, T replaced by A.
Molecular consequence: intron variant.
Genome position (GRCh38, 1-based): chr1:201,075,628, A>T on the plus strand (T>A on the coding strand, the complement: CACNA1S is on the minus strand). VCF-style: chr1-201075628-A-T. GRCh37 (hg19) VCF-style: chr1-201044756-A-T.
Identifiers: ClinVar variation 3386370 (VCV003386370.1).

ClinVar aggregate classification (germline): Likely benign (1 of 4 stars; one submission).

Conditions:
Malignant hyperthermia, susceptibility to, 5 (MHS5). Also called: CACNA1S-Related Malignant Hyperthermia Susceptibility. Identifiers: Orphanet 423, MedGen C1866077, MONDO:0011163, OMIM 601887.

gnomAD v4.1: 2 of 1,613,766 alleles (0.00012%); highest among the groups gnomAD compares: Admixed American, 0.0017%; no homozygotes.

Submission:

All of Us Research Program, National Institutes of Health
Classification: Likely benign for Malignant hyperthermia, susceptibility to, 5. Last evaluated: 2024-03-24. Review status: criteria provided, single submitter. Criteria: ACMG Guidelines, 2015. Collection method: clinical testing. Allele origin: germline. Inheritance: Autosomal dominant inheritance. Observed: 1 variant allele, 1 heterozygote.
Comment: This study involves interpretation of variants in research participants for the purpose of population health screening. Participant phenotype was not available at the time of variant classification. Additional details can be found in publication PMID: 35346344, PMCID: PMC8962531